The following is an entry in ClinVar:

ClinVar aggregate classification (germline): Uncertain significance. Review status: criteria provided, multiple submitters, no conflicts (2 of 4 stars). 3 submissions from 3 submitters: Uncertain significance (3). Last evaluated 2025-08-22.

Conditions:
Inborn genetic diseases. Identifiers: MedGen C0950123, MeSH D030342.
IFT172-related disorder. Also called: IFT172-related condition; IFT172-related disorders.

Allele frequency attached by ClinVar (database versions not stated): ExAC 0.00001; TOPMed 0.00002; gnomAD exomes 0.00003; gnomAD 0.00001; 1000 Genomes Project 30x 0.00016.
gnomAD v4.1: 45 of 1,612,802 alleles (0.0028%); highest among the groups gnomAD compares: Middle Eastern, 0.017%; no homozygotes.

Submissions (3):

PreventionGenetics, part of Exact Sciences
Classification: Uncertain significance for IFT172-related condition. Last evaluated: 2025-08-22. Review status: criteria provided, single submitter. Criteria: ACMG Guidelines, 2015. Collection method: clinical testing. Allele origin: germline.
Comment: The IFT172 c.4970G>A variant is predicted to result in the amino acid substitution p.Arg1657Gln. To our knowledge, this variant has not been reported in the literature. This variant is reported in 0.0027% of alleles in individuals of European (Non-Finnish) descent in gnomAD. At this time, the clinical significance of this variant is uncertain due to the absence of conclusive functional and genetic evidence.

GeneDx
Classification: Uncertain significance. Last evaluated: 2024-05-06. Review status: criteria provided, single submitter. Criteria: GeneDx Variant Classification Process June 2021. Collection method: clinical testing. Allele origin: germline. Affected: yes.
Comment: Not observed at significant frequency in large population cohorts (gnomAD); In silico analysis indicates that this missense variant does not alter protein structure/function; Has not been previously published as pathogenic or benign to our knowledge

Ambry Genetics
Classification: Uncertain significance for Inborn genetic diseases. Last evaluated: 2023-12-27. Review status: criteria provided, single submitter. Criteria: Ambry Variant Classification Scheme 2023. Collection method: clinical testing. Allele origin: germline.

NM_015662.3(IFT172):c.4970G>A (p.Arg1657Gln)

Genes: IFT172 (intraflagellar transport 172; minus strand), KRTCAP3 (keratinocyte associated protein 3; plus strand). Cytogenetic location: 2p23.3.
Variant type: single nucleotide variant.
Coding change: c.4970G>A on transcript NM_015662.3 (MANE Select); coding-DNA position 4970, G replaced by A.
Protein change: p.Arg1657Gln; replaces arginine 1657 with glutamine.
Molecular consequence: missense variant. On other transcripts: intron variant (1).
Genome position (GRCh38, 1-based): chr2:27,445,394, C>T on the plus strand (G>A on the coding strand, the complement: IFT172 is on the minus strand). VCF-style: chr2-27445394-C-T. GRCh37 (hg19) VCF-style: chr2-27668261-C-T.
Other names: c.4904G>A, p.Arg1635Gln (NM_001410739.1); c.*6-907C>T (NM_001168364.2); short protein forms R1635Q, R1657Q.
Identifiers: ClinVar variation 3108388 (VCV003108388.3), dbSNP rs766353582, ClinGen allele CA1579399.
Genomic context (GRCh38, chr2:27,445,394, plus strand): 5'-GCTGCCACTAGGGAGGCCTCGTAGGCGCCACGCTCATCCCGAGGCAGAACCTGCTCCAGC[C>T]GCTGGTCCATGGAGACTGTAAGCACCCAGTCTCGAACCTCTTCTCTCTCAGCCTCCTGGA-3'
Protein context (NP_056477.1, residues 1647-1667): DWVLTVSMDQ[Arg1657Gln]LEQVLPRDER